The following is an entry in ClinVar:

ClinVar aggregate classification (germline): Uncertain significance. Review status: criteria provided, multiple submitters, no conflicts (2 of 4 stars). 2 submissions from 2 submitters: Uncertain significance (2). Last evaluated 2024-12-16.

Conditions:
Hereditary pancreatitis (PCTT). Also called: Hereditary chronic pancreatitis; PRSS1-Related Hereditary Pancreatitis. Identifiers: Orphanet 676, MedGen C0238339, MONDO:0008185, OMIM 167800.

Allele frequency attached by ClinVar (database versions not stated): TOPMed below 0.00001; gnomAD 0.00004; gnomAD exomes 0.00005 and 0.00009; ExAC 0.00013.
gnomAD v4.1: 79 of 1,612,646 alleles (0.0049%); highest among the groups gnomAD compares: Non-Finnish European, 0.0042%; no homozygotes.

Submissions (2):

Ambry Genetics
Classification: Uncertain significance for Hereditary pancreatitis. Last evaluated: 2024-12-16. Review status: criteria provided, single submitter. Criteria: Ambry Variant Classification Scheme 2023. Collection method: clinical testing. Allele origin: germline.
Comment: The p.E46V variant (also known as c.137A>T), located in coding exon 2 of the CPA1 gene, results from an A to T substitution at nucleotide position 137. The glutamic acid at codon 46 is replaced by valine, an amino acid with dissimilar properties. This amino acid position is well conserved in available vertebrate species. In addition, this alteration is predicted to be tolerated by in silico analysis. Since supporting evidence is limited at this time, the clinical significance of this alteration remains unclear.

Labcorp Genetics (formerly Invitae), Labcorp
Classification: Uncertain significance. Last evaluated: 2019-10-22. Review status: criteria provided, single submitter. Criteria: Invitae Variant Classification Sherloc (09022015). Collection method: clinical testing. Allele origin: germline.
Comment: Algorithms developed to predict the effect of missense changes on protein structure and function (SIFT, PolyPhen-2, Align-GVGD) all suggest that this variant is likely to be tolerated, but these predictions have not been confirmed by published functional studies and their clinical significance is uncertain. In summary, the available evidence is currently insufficient to determine the role of this variant in disease. Therefore, it has been classified as a Variant of Uncertain Significance. This variant has not been reported in the literature in individuals with CPA1-related conditions. This variant is present in population databases (rs201893877, ExAC 0.09%), and has an allele count higher than expected for a pathogenic variant (PMID: 28166811). This sequence change replaces glutamic acid with valine at codon 46 of the CPA1 protein (p.Glu46Val). The glutamic acid residue is moderately conserved and there is a moderate physicochemical difference between glutamic acid and valine.

Literature cited by the submitters: PubMed 28166811 (cited by Labcorp Genetics (formerly Invitae), Labcorp).

NM_001868.4(CPA1):c.137A>T (p.Glu46Val)

Gene: CPA1 (carboxypeptidase A1; plus strand). Cytogenetic location: 7q32.2.
Variant type: single nucleotide variant.
Coding change: c.137A>T on transcript NM_001868.4 (MANE Select); coding-DNA position 137, A replaced by T.
Protein change: p.Glu46Val; replaces glutamic acid 46 with valine.
Molecular consequence: missense variant.
Genome position (GRCh38, 1-based): chr7:130,381,169, A>T. VCF-style: chr7-130381169-A-T. GRCh37 (hg19) VCF-style: chr7-130021010-A-T.
Other names: short protein forms E46V.
Identifiers: ClinVar variation 967294 (VCV000967294.13), dbSNP rs201893877, ClinGen allele CA4484684.
Genomic context (GRCh38, chr7:130,381,169, plus strand): 5'-TCCGAATCTCTGTAGCCGATGAGGCCCAGGTACAGAAGGTGAAGGAGCTGGAGGACCTGG[A>T]GCACCTGCAGGTCAGAAGAGGGGAGAAGGGCTCTCTGAGGCCCCAGGGTATCAGCTGGGG-3'
Protein context (NP_001859.1, residues 36-56): VQKVKELEDL[Glu46Val]HLQLDFWRGP